The following is an entry in ClinVar:

ClinVar aggregate classification (germline): Uncertain significance. Review status: criteria provided, multiple submitters, no conflicts (2 of 4 stars). 3 submissions from 3 submitters: Uncertain significance (2). 1 of the submissions does not count toward it. Last evaluated 2024-10-19.

Conditions:
Zellweger spectrum disorders (ZS). Also called: Zellweger syndrome; Zellweger Spectrum Disorder (ZSD); Zellweger Spectrum Disorder; Zellweger Spectrum. Identifiers: Orphanet 912, MedGen C0043459, MONDO:0019609.
Inborn genetic diseases. Identifiers: MedGen C0950123, MeSH D030342.

Allele frequency attached by ClinVar (database versions not stated): TOPMed 0.00001.
gnomAD v4.1: 2 of 1,543,424 alleles (0.00013%); highest among the groups gnomAD compares: Non-Finnish European, 0.00017%; no homozygotes.

Submissions (3):

Ambry Genetics
Classification: Uncertain significance for Inborn genetic diseases. Last evaluated: 2024-10-19. Review status: criteria provided, single submitter. Criteria: Ambry Variant Classification Scheme 2023. Collection method: clinical testing. Allele origin: germline.

Labcorp Genetics (formerly Invitae), Labcorp
Classification: Uncertain significance for Zellweger spectrum disorders. Last evaluated: 2022-07-26. Review status: criteria provided, single submitter. Criteria: Invitae Variant Classification Sherloc (09022015). Collection method: clinical testing. Allele origin: germline.
Comment: This sequence change replaces glutamine, which is neutral and polar, with histidine, which is basic and polar, at codon 214 of the PEX1 protein (p.Gln214His). This variant is not present in population databases (gnomAD no frequency). This variant has not been reported in the literature in individuals affected with PEX1-related conditions. ClinVar contains an entry for this variant (Variation ID: 958022). Advanced modeling of protein sequence and biophysical properties (such as structural, functional, and spatial information, amino acid conservation, physicochemical variation, residue mobility, and thermodynamic stability) performed at Invitae indicates that this missense variant is not expected to disrupt PEX1 protein function. In summary, the available evidence is currently insufficient to determine the role of this variant in disease. Therefore, it has been classified as a Variant of Uncertain Significance.

Natera, Inc.
Classification: Uncertain significance for Zellweger syndrome. Last evaluated: 2018-11-17. Review status: no assertion criteria provided. Collection method: clinical testing. Allele origin: germline. Not counted in ClinVar's aggregate classification.

NM_000466.3(PEX1):c.642A>C (p.Gln214His)

Gene: PEX1 (peroxisomal biogenesis factor 1; minus strand). Cytogenetic location: 7q21.2.
Variant type: single nucleotide variant.
Coding change: c.642A>C on transcript NM_000466.3 (MANE Select); coding-DNA position 642, A replaced by C.
Protein change: p.Gln214His; replaces glutamine 214 with histidine.
Molecular consequence: missense variant.
Genome position (GRCh38, 1-based): chr7:92,517,873, T>G on the plus strand (A>C on the coding strand, the complement: PEX1 is on the minus strand). VCF-style: chr7-92517873-T-G. GRCh37 (hg19) VCF-style: chr7-92147187-T-G.
Other names: c.642A>C, p.Gln214His (NM_001282677.2); c.18A>C, p.Gln6His (NM_001282678.2); short protein forms Q6H, Q214H.
Identifiers: ClinVar variation 958022 (VCV000958022.8), dbSNP rs760441307, ClinGen allele CA161973799.